The following is an entry in ClinVar:

ClinVar aggregate classification (germline): Uncertain significance. Review status: criteria provided, multiple submitters, no conflicts (2 of 4 stars). 3 submissions from 3 submitters: Uncertain significance (3). Last evaluated 2024-08-28.

Conditions:
Hereditary nonpolyposis colorectal neoplasms. Identifiers: MedGen C0009405, MeSH D003123.
Hereditary cancer-predisposing syndrome. Also called: Hereditary Cancer Syndrome; Tumor predisposition; Hereditary neoplastic syndrome; Neoplastic Syndromes, Hereditary. Identifiers: Orphanet 140162, MedGen C0027672, MeSH D009386, MONDO:0015356.

Submissions (3):

Ambry Genetics
Classification: Uncertain significance for Hereditary cancer-predisposing syndrome. Last evaluated: 2024-08-28. Review status: criteria provided, single submitter. Criteria: Ambry Variant Classification Scheme 2023. Collection method: clinical testing. Allele origin: germline.
Comment: The p.Q681R variant (also known as c.2042A>G), located in coding exon 12 of the PMS2 gene, results from an A to G substitution at nucleotide position 2042. The glutamine at codon 681 is replaced by arginine, an amino acid with highly similar properties. This amino acid position is highly conserved in available vertebrate species. In addition, this alteration is predicted to be deleterious by in silico analysis. Based on the available evidence, the clinical significance of this variant remains unclear.

Labcorp Genetics (formerly Invitae), Labcorp
Classification: Uncertain significance for Hereditary nonpolyposis colorectal neoplasms. Last evaluated: 2024-07-01. Review status: criteria provided, single submitter. Criteria: Invitae Variant Classification Sherloc (09022015). Collection method: clinical testing. Allele origin: germline.
Comment: This sequence change replaces glutamine, which is neutral and polar, with arginine, which is basic and polar, at codon 681 of the PMS2 protein (p.Gln681Arg). The frequency data for this variant in the population databases (gnomAD) is considered unreliable due to the presence of homologous sequence, such as pseudogenes or paralogs, in the genome. This variant has not been reported in the literature in individuals affected with PMS2-related conditions. ClinVar contains an entry for this variant (Variation ID: 1043849). Advanced modeling of protein sequence and biophysical properties (such as structural, functional, and spatial information, amino acid conservation, physicochemical variation, residue mobility, and thermodynamic stability) performed at Invitae indicates that this missense variant is expected to disrupt PMS2 protein function with a positive predictive value of 80%. In summary, the available evidence is currently insufficient to determine the role of this variant in disease. Therefore, it has been classified as a Variant of Uncertain Significance.

GeneDx
Classification: Uncertain significance. Last evaluated: 2020-08-12. Review status: criteria provided, single submitter. Criteria: GeneDx Variant Classification Process June 2021. Collection method: clinical testing. Allele origin: germline. Affected: yes.
Comment: Not observed in large population cohorts (Lek 2016); In silico analysis supports that this missense variant has a deleterious effect on protein structure/function; Has not been previously published as pathogenic or benign to our knowledge

NM_000535.7(PMS2):c.2042A>G (p.Gln681Arg)

Gene: PMS2 (PMS1 homolog 2, mismatch repair system component; minus strand). Cytogenetic location: 7p22.1.
Variant type: single nucleotide variant.
Coding change: c.2042A>G on transcript NM_000535.7 (MANE Select); coding-DNA position 2042, A replaced by G.
Protein change: p.Gln681Arg; replaces glutamine 681 with arginine.
Molecular consequence: missense variant. On other transcripts: non-coding transcript variant (1).
Genome position (GRCh38, 1-based): chr7:5,982,956, T>C on the plus strand (A>G on the coding strand, the complement: PMS2 is on the minus strand). VCF-style: chr7-5982956-T-C. GRCh37 (hg19) VCF-style: chr7-6022587-T-C.
Other names: c.1637A>G, p.Gln546Arg (NM_001322003.2, NM_001322004.2, NM_001322005.2 and 1 more transcripts); c.1886A>G, p.Gln629Arg (NM_001322006.2); c.1724A>G, p.Gln575Arg (NM_001322007.2, NM_001322008.2); c.1481A>G, p.Gln494Arg (NM_001322010.2); c.1109A>G, p.Gln370Arg (NM_001322011.2, NM_001322012.2); c.1469A>G, p.Gln490Arg (NM_001322013.2); c.2042A>G, p.Gln681Arg (NM_001322014.2); c.1733A>G, p.Gln578Arg (NM_001322015.2); short protein forms Q370R, Q494R, Q578R, Q575R, Q546R, Q629R, Q490R, Q681R.
Identifiers: ClinVar variation 1043849 (VCV001043849.11), dbSNP rs1782465326, ClinGen allele CA366738122.